The following is an entry in ClinVar:

ClinVar aggregate classification (germline): Uncertain significance. Review status: criteria provided, multiple submitters, no conflicts (2 of 4 stars). 4 submissions from 4 submitters: Uncertain significance (4). Last evaluated 2026-03-03.

Conditions:
Hereditary cancer-predisposing syndrome. Also called: Hereditary Cancer Syndrome; Tumor predisposition; Neoplastic Syndromes, Hereditary; Hereditary neoplastic syndrome. Identifiers: Orphanet 140162, MedGen C0027672, MeSH D009386, MONDO:0015356.
Familial cancer of breast. Also called: Hereditary breast cancer; BREAST CANCER, FAMILIAL; hereditary breast carcinoma. Identifiers: Orphanet 227535, MedGen C0346153, MONDO:0016419, OMIM 114480. Disease mechanism: loss of function.

Allele frequency attached by ClinVar (database versions not stated): gnomAD 0.00003.
gnomAD v4.1: 9 of 1,587,870 alleles (0.00057%); highest among the groups gnomAD compares: African/African-American, 0.0013%; no homozygotes.

Submissions (4):

Ambry Genetics
Classification: Uncertain significance for Hereditary cancer-predisposing syndrome. Last evaluated: 2026-03-03. Review status: criteria provided, single submitter. Criteria: Ambry Variant Classification Scheme 2023. Collection method: clinical testing. Allele origin: germline.

Labcorp Genetics (formerly Invitae), Labcorp
Classification: Uncertain significance for Familial cancer of breast. Last evaluated: 2025-08-03. Review status: criteria provided, single submitter. Criteria: Invitae Variant Classification Sherloc (09022015). Collection method: clinical testing. Allele origin: germline.
Comment: This sequence change replaces arginine, which is basic and polar, with histidine, which is basic and polar, at codon 15 of the BARD1 protein (p.Arg15His). The frequency data for this variant in the population databases is considered unreliable, as metrics indicate poor data quality at this position in the gnomAD database. This variant has not been reported in the literature in individuals affected with BARD1-related conditions. ClinVar contains an entry for this variant (Variation ID: 824948). An algorithm developed to predict the effect of missense changes on protein structure and function outputs the following: PolyPhen-2: "Benign". The histidine amino acid residue is found in multiple mammalian species, which suggests that this missense change does not adversely affect protein function. In summary, the available evidence is currently insufficient to determine the role of this variant in disease. Therefore, it has been classified as a Variant of Uncertain Significance.

Baylor Genetics
Classification: Uncertain significance for Familial cancer of breast. Last evaluated: 2024-03-18. Review status: criteria provided, single submitter. Criteria: ACMG Guidelines, 2015. Collection method: clinical testing. Allele origin: unknown.

Color Diagnostics, LLC DBA Color Health
Classification: Uncertain significance for Hereditary cancer-predisposing syndrome. Last evaluated: 2019-11-01. Review status: criteria provided, single submitter. Criteria: ACMG Guidelines, 2015. Collection method: clinical testing. Allele origin: germline.
Comment: This missense variant replaces arginine with histidine at codon 15 of the BARD1 protein. Computational prediction tool suggests that this variant may not impact protein structure and function (internally defined REVEL score threshold ≤0.5, PMID: 27666373). Splice site prediction tools suggest that this variant may not impact RNA splicing. To our knowledge, functional studies have not been performed for this variant. This variant has not been reported in individuals affected with hereditary cancer in the literature. This variant has been identified in 1/31370 chromosomes in the general population by the Genome Aggregation Database (gnomAD). The available evidence is insufficient to determine the role of this variant in disease conclusively. Therefore, this variant is classified as a Variant of Uncertain Significance.

NM_000465.4(BARD1):c.44G>A (p.Arg15His)

Gene: BARD1 (BRCA1 associated RING domain 1; minus strand). Cytogenetic location: 2q35.
Variant type: single nucleotide variant.
Coding change: c.44G>A on transcript NM_000465.4 (MANE Select); coding-DNA position 44, G replaced by A.
Protein change: p.Arg15His; replaces arginine 15 with histidine.
Molecular consequence: missense variant. On other transcripts: non-coding transcript variant (3).
Genome position (GRCh38, 1-based): chr2:214,809,526, C>T on the plus strand (G>A on the coding strand, the complement: BARD1 is on the minus strand). VCF-style: chr2-214809526-C-T. GRCh37 (hg19) VCF-style: chr2-215674250-C-T.
Other names: c.44G>A, p.Arg15His (NM_001282543.2, NM_001282545.2, NM_001282548.2 and 1 more transcripts); short protein forms R15H.
Identifiers: ClinVar variation 824948 (VCV000824948.19), dbSNP rs545107676, ClinGen allele CA350465299.